The following is an entry in ClinVar:

NM_001267550.2(TTN):c.11311+1367T>G

Gene: TTN (titin; minus strand). Cytogenetic location: 2q31.2.
Variant type: single nucleotide variant.
Coding change: c.11311+1367T>G on transcript NM_001267550.2 (MANE Select); 1367 bases into the intron after coding-DNA position 11311, T replaced by G.
Molecular consequence: intron variant. On other transcripts: missense variant (1).
Genome position (GRCh38, 1-based): chr2:178,751,757, A>C on the plus strand (T>G on the coding strand, the complement: TTN is on the minus strand). VCF-style: chr2-178751757-A-C. GRCh37 (hg19) VCF-style: chr2-179616484-A-C.
Other names: c.10643T>G, p.Leu3548Arg (NM_133379.5); c.10222+1367T>G (NM_003319.4); c.10798+1367T>G (NM_133437.4); c.10597+1367T>G (NM_133432.3); c.10360+1367T>G (NM_133378.4, NM_001256850.1); short protein forms L3548R.
Identifiers: ClinVar variation 4085306 (VCV004085306.8).

ClinVar aggregate classification (germline): Uncertain significance (1 of 4 stars; one submission).

gnomAD v4.1: 1 of 1,613,210 alleles (0.000062%); highest among the groups gnomAD compares: Non-Finnish European, 0.000085%; no homozygotes.

Submission:

CeGaT Center for Human Genetics Tuebingen
Classification: Uncertain significance. Last evaluated: 2025-07-01. Review status: criteria provided, single submitter. Criteria: CeGaT Center For Human Genetics Tuebingen Variant Classification Criteria Version 2. Collection method: clinical testing. Allele origin: germline. Affected: yes. Observed: 1 variant allele.
Comment: TTN: PM2, BP4